The following is an entry in ClinVar:

ClinVar aggregate classification (germline): Pathogenic (1 of 4 stars; one submission).

Conditions:
Cerebral cavernous malformation (CCM). Also called: Cavernous Hemangioma of Brain; Cerebral cavernous hemangioma (type); CAVERNOUS ANGIOMA, FAMILIAL; CAVERNOUS ANGIOMATOUS MALFORMATIONS; CEREBRAL CAPILLARY MALFORMATIONS; Cerebral cavernous malformations. Identifiers: Orphanet 221061, MedGen C2919945, MONDO:0000820, OMIM 116860, HP:0033522.

Submission:

Labcorp Genetics (formerly Invitae), Labcorp
Classification: Pathogenic for Cerebral cavernous malformation. Last evaluated: 2023-01-20. Review status: criteria provided, single submitter. Criteria: Invitae Variant Classification Sherloc (09022015). Collection method: clinical testing. Allele origin: germline.
Comment: For these reasons, this variant has been classified as Pathogenic. This variant has not been reported in the literature in individuals affected with KRIT1-related conditions. This variant is not present in population databases (gnomAD no frequency). This sequence change creates a premature translational stop signal (p.Lys475*) in the KRIT1 gene. It is expected to result in an absent or disrupted protein product. Loss-of-function variants in KRIT1 are known to be pathogenic (PMID: 10508515, 11222804, 12404106, 24689081).

Literature cited by the submitters: PubMed 10508515; PubMed 11222804; PubMed 12404106; PubMed 24689081.

NM_194454.3(KRIT1):c.1423A>T (p.Lys475Ter)

Gene: KRIT1 (KRIT1 ankyrin repeat containing; minus strand). Cytogenetic location: 7q21.2.
Variant type: single nucleotide variant.
Coding change: c.1423A>T on transcript NM_194454.3 (MANE Select); coding-DNA position 1423, A replaced by T.
Protein change: p.Lys475Ter; replaces lysine 475 with a stop codon.
Molecular consequence: nonsense.
Genome position (GRCh38, 1-based): chr7:92,222,042, T>A on the plus strand (A>T on the coding strand, the complement: KRIT1 is on the minus strand). VCF-style: chr7-92222042-T-A. GRCh37 (hg19) VCF-style: chr7-91851356-T-A.
Other names: c.1279A>T, p.Lys427Ter (NM_001350669.1, NM_001350670.1, NM_001013406.2); c.709A>T, p.Lys237Ter (NM_001350671.1); c.1423A>T, p.Lys475Ter (NM_001350672.1, NM_001350673.1, NM_001350674.1 and 26 more transcripts); short protein forms K427*, K475*, K237*.
Identifiers: ClinVar variation 2830570 (VCV002830570.3), dbSNP rs2535820956, ClinGen allele CA368146690.